The following is an entry in ClinVar:

NM_024589.3(ROGDI):c.700T>G (p.Trp234Gly)

Gene: ROGDI (rogdi atypical leucine zipper; minus strand). Cytogenetic location: 16p13.3.
Variant type: single nucleotide variant.
Coding change: c.700T>G on transcript NM_024589.3 (MANE Select); coding-DNA position 700, T replaced by G.
Protein change: p.Trp234Gly; replaces tryptophan 234 with glycine.
Molecular consequence: missense variant. On other transcripts: non-coding transcript variant (1).
Genome position (GRCh38, 1-based): chr16:4,797,836, A>C on the plus strand (T>G on the coding strand, the complement: ROGDI is on the minus strand). VCF-style: chr16-4797836-A-C. GRCh37 (hg19) VCF-style: chr16-4847837-A-C.
Other names: short protein forms W234G.
Identifiers: ClinVar variation 1380009 (VCV001380009.8), dbSNP rs1252887236, ClinGen allele CA394649189.

ClinVar aggregate classification (germline): Uncertain significance (1 of 4 stars; one submission).

Conditions:
Amelocerebrohypohidrotic syndrome (KTZS). Also called: EPILEPSY AND YELLOW TEETH; EPILEPSY, DEMENTIA, AND AMELOGENESIS IMPERFECTA; KOHLSCHUTTER SYNDROME; Kohlschutter's syndrome. Identifiers: Orphanet 1946, MedGen C0406740, MONDO:0009185, OMIM 226750.

Allele frequency attached by ClinVar (database versions not stated): gnomAD exomes 0.00001.
gnomAD v4.1: 3 of 1,611,066 alleles (0.00019%); highest among the groups gnomAD compares: Non-Finnish European, 0.00025%; no homozygotes.

Submission:

Labcorp Genetics (formerly Invitae), Labcorp
Classification: Uncertain significance for Amelocerebrohypohidrotic syndrome. Last evaluated: 2021-06-17. Review status: criteria provided, single submitter. Criteria: Invitae Variant Classification Sherloc (09022015). Collection method: clinical testing. Allele origin: germline.
Comment: This sequence change replaces tryptophan with glycine at codon 234 of the ROGDI protein (p.Trp234Gly). The tryptophan residue is weakly conserved and there is a large physicochemical difference between tryptophan and glycine. This variant is not present in population databases (ExAC no frequency). In summary, the available evidence is currently insufficient to determine the role of this variant in disease. Therefore, it has been classified as a Variant of Uncertain Significance. Algorithms developed to predict the effect of missense changes on protein structure and function (SIFT, PolyPhen-2, Align-GVGD) all suggest that this variant is likely to be tolerated, but these predictions have not been confirmed by published functional studies and their clinical significance is uncertain. This variant has not been reported in the literature in individuals with ROGDI-related conditions.